The following is an entry in ClinVar:

NM_174916.3(UBR1):c.1440-5G>A

Gene: UBR1 (ubiquitin protein ligase E3 component n-recognin 1; minus strand). Cytogenetic location: 15q15.2.
Variant type: single nucleotide variant.
Coding change: c.1440-5G>A on transcript NM_174916.3 (MANE Select); 5 bases into the intron before coding-DNA position 1440, G replaced by A.
Molecular consequence: intron variant.
Genome position (GRCh38, 1-based): chr15:43,048,496, C>T on the plus strand (G>A on the coding strand, the complement: UBR1 is on the minus strand). VCF-style: chr15-43048496-C-T. GRCh37 (hg19) VCF-style: chr15-43340694-C-T.
Other names: c.1440-5G>A (NM_174916.2).
Identifiers: ClinVar variation 2882314 (VCV002882314.5), dbSNP rs369367454, ClinGen allele CA7518726.

ClinVar aggregate classification (germline): Likely benign. Review status: criteria provided, single submitter (1 of 4 stars). 2 submissions from 2 submitters: Likely benign (1). 1 of the submissions does not count toward it. Last evaluated 2023-07-18.

Conditions:
UBR1-related disorder. Also called: UBR1-related condition.

Allele frequency attached by ClinVar (database versions not stated): gnomAD exomes 0.00008; TOPMed 0.00008; gnomAD 0.00013; ExAC 0.00014; ESP Exome Variant Server 0.00015.
gnomAD v4.1: 129 of 1,600,514 alleles (0.0081%); highest among the groups gnomAD compares: South Asian, 0.097%; 1 homozygote.

Submissions (2):

Labcorp Genetics (formerly Invitae), Labcorp
Classification: Likely benign. Last evaluated: 2023-07-18. Review status: criteria provided, single submitter. Criteria: Invitae Variant Classification Sherloc (09022015). Collection method: clinical testing. Allele origin: germline.

PreventionGenetics, part of Exact Sciences
Classification: Likely benign for UBR1-related condition. Last evaluated: 2022-08-10. Review status: no assertion criteria provided. Collection method: clinical testing. Allele origin: germline. Not counted in ClinVar's aggregate classification.
Comment: This variant is classified as likely benign based on ACMG/AMP sequence variant interpretation guidelines (Richards et al. 2015 PMID: 25741868, with internal and published modifications).